The following is an entry in ClinVar:

ClinVar aggregate classification (germline): Likely benign. Review status: criteria provided, multiple submitters, no conflicts (2 of 4 stars). 2 submissions from 2 submitters: Likely benign (2). Last evaluated 2026-05-01.

Allele frequency attached by ClinVar (database versions not stated): gnomAD exomes below 0.00001; TOPMed 0.00001.
gnomAD v4.1: 1 of 1,614,124 alleles (0.000062%); highest among the groups gnomAD compares: African/African-American, 0.0013%; no homozygotes.

Submissions (2):

CeGaT Center for Human Genetics Tuebingen
Classification: Likely benign. Last evaluated: 2026-05-01. Review status: criteria provided, single submitter. Criteria: CeGaT Center For Human Genetics Tuebingen Variant Classification Criteria Version 2. Collection method: clinical testing. Allele origin: germline. Affected: yes. Observed: 1 variant allele.
Comment: SYNE1: BP4, BP7

Labcorp Genetics (formerly Invitae), Labcorp
Classification: Likely benign. Last evaluated: 2018-05-07. Review status: criteria provided, single submitter. Criteria: Invitae Variant Classification Sherloc (09022015). Collection method: clinical testing. Allele origin: germline.

NM_182961.4(SYNE1):c.23325A>T (p.Ile7775=)

Gene: SYNE1 (spectrin repeat containing nuclear envelope protein 1; minus strand). Cytogenetic location: 6q25.2.
Variant type: single nucleotide variant.
Coding change: c.23325A>T on transcript NM_182961.4 (MANE Select); coding-DNA position 23325, A replaced by T.
Protein change: p.Ile7775=; no amino-acid change (isoleucine 7775 retained).
Molecular consequence: synonymous variant. On other transcripts: 5 prime UTR variant (1).
Genome position (GRCh38, 1-based): chr6:152,180,271, T>A on the plus strand (A>T on the coding strand, the complement: SYNE1 is on the minus strand). VCF-style: chr6-152180271-T-A. GRCh37 (hg19) VCF-style: chr6-152501406-T-A.
Other names: c.-70A>T (NM_001347701.2); c.23112A>T, p.Ile7704= (NM_033071.5).
Identifiers: ClinVar variation 740020 (VCV000740020.5), dbSNP rs1215046416, ClinGen allele CA452750292.